The following is an entry in ClinVar:

ClinVar aggregate classification (germline): Uncertain significance (1 of 4 stars; one submission).

Submission:

GeneDx
Classification: Uncertain significance. Last evaluated: 2025-07-18. Review status: criteria provided, single submitter. Criteria: GeneDx Variant Classification Process June 2021. Collection method: clinical testing. Allele origin: germline. Affected: yes.
Comment: Not observed at significant frequency in large population cohorts (gnomAD); In silico analysis supports that this missense variant has a deleterious effect on protein structure/function; Has not been previously published as pathogenic or benign to our knowledge

NM_004667.6(HERC2):c.10937G>C (p.Cys3646Ser)

Gene: HERC2 (HECT and RLD domain containing E3 ubiquitin protein ligase 2; minus strand). Cytogenetic location: 15q13.1.
Variant type: single nucleotide variant.
Coding change: c.10937G>C on transcript NM_004667.6 (MANE Select); coding-DNA position 10937, G replaced by C.
Protein change: p.Cys3646Ser; replaces cysteine 3646 with serine.
Molecular consequence: missense variant.
Genome position (GRCh38, 1-based): chr15:28,146,308, C>G on the plus strand (G>C on the coding strand, the complement: HERC2 is on the minus strand). VCF-style: chr15-28146308-C-G. GRCh37 (hg19) VCF-style: chr15-28391454-C-G.
Other names: short protein forms C3646S.
Identifiers: ClinVar variation 1700966 (VCV001700966.3), dbSNP rs2142282935, ClinGen allele CA391386671.